The following is an entry in ClinVar:

NM_014339.7(IL17RA):c.2261C>A (p.Ser754Ter)

Gene: IL17RA (interleukin 17 receptor A; plus strand). Cytogenetic location: 22q11.1.
Variant type: single nucleotide variant.
Coding change: c.2261C>A on transcript NM_014339.7 (MANE Select); coding-DNA position 2261, C replaced by A.
Protein change: p.Ser754Ter; replaces serine 754 with a stop codon.
Molecular consequence: nonsense.
Genome position (GRCh38, 1-based): chr22:17,109,480, C>A. VCF-style: chr22-17109480-C-A. GRCh37 (hg19) VCF-style: chr22-17590370-C-A.
Other names: c.2159C>A, p.Ser720Ter (NM_001289905.2); short protein forms S720*, S754*.
Identifiers: ClinVar variation 2708950 (VCV002708950.3), dbSNP rs1385518980, ClinGen allele CA410221541.

ClinVar aggregate classification (germline): Uncertain significance (1 of 4 stars; one submission).

Conditions:
Immunodeficiency 51 (IMD51). Also called: CANDIDIASIS, FAMILIAL, 5. Identifiers: Orphanet 1334, MedGen C4310803, MONDO:0013500, OMIM 613953.

Submission:

Labcorp Genetics (formerly Invitae), Labcorp
Classification: Uncertain significance for Immunodeficiency 51. Last evaluated: 2024-01-11. Review status: criteria provided, single submitter. Criteria: Invitae Variant Classification Sherloc (09022015). Collection method: clinical testing. Allele origin: germline.
Comment: This sequence change creates a premature translational stop signal (p.Ser754*) in the IL17RA gene. While this is not anticipated to result in nonsense mediated decay, it is expected to disrupt the last 113 amino acid(s) of the IL17RA protein. This variant is not present in population databases (gnomAD no frequency). This variant has not been reported in the literature in individuals affected with IL17RA-related conditions. Experimental studies and prediction algorithms are not available or were not evaluated, and the functional significance of this variant is currently unknown. In summary, the available evidence is currently insufficient to determine the role of this variant in disease. Therefore, it has been classified as a Variant of Uncertain Significance.